The following is an entry in ClinVar:

ClinVar aggregate classification (germline): Uncertain significance (1 of 4 stars; one submission).

Conditions:
Aortic aneurysm, familial thoracic 7 (AAT7). Also called: AORTIC DISSECTION, FAMILIAL, WITH OR WITHOUT AORTIC ANEURYSM. Identifiers: MedGen C3151077, MONDO:0013418, OMIM 613780.

Allele frequency attached by ClinVar (database versions not stated): TOPMed below 0.00001; ExAC 0.00001; gnomAD 0.00001.
gnomAD v4.1: 1 of 1,613,880 alleles (0.000062%); highest among the groups gnomAD compares: African/African-American, 0.0013%; no homozygotes.

Submission:

Labcorp Genetics (formerly Invitae), Labcorp
Classification: Uncertain significance for Aortic aneurysm, familial thoracic 7. Last evaluated: 2021-12-13. Review status: criteria provided, single submitter. Criteria: Invitae Variant Classification Sherloc (09022015). Collection method: clinical testing. Allele origin: germline.
Comment: In summary, the available evidence is currently insufficient to determine the role of this variant in disease. Therefore, it has been classified as a Variant of Uncertain Significance. Algorithms developed to predict the effect of sequence changes on RNA splicing suggest that this variant may disrupt the consensus splice site. This variant has not been reported in the literature in individuals affected with MYLK-related conditions. This variant is not present in population databases (gnomAD no frequency). This sequence change affects a donor splice site in intron 4 of the MYLK gene. This variant occurs in the long isoform of MYLK (PMID: 21055718). The current clinical and genetic evidence is not sufficient to establish whether loss-of-function variants in the long isoform of MYLK cause disease.

Literature cited by the submitters: PubMed 21055718.

NM_053025.4(MYLK):c.165+2T>C

Genes: MYLK (myosin light chain kinase; minus strand), LOC126806792 (CDK7 strongly-dependent group 2 enhancer GRCh37_chr3:123511339-123512538; plus strand). Cytogenetic location: 3q21.1.
Variant type: single nucleotide variant.
Coding change: c.165+2T>C on transcript NM_053025.4 (MANE Select); the canonical splice donor site of the intron after coding-DNA position 165, T replaced by C.
Molecular consequence: splice donor variant.
Genome position (GRCh38, 1-based): chr3:123,793,675, A>G on the plus strand (T>C on the coding strand, the complement: MYLK is on the minus strand). VCF-style: chr3-123793675-A-G. GRCh37 (hg19) VCF-style: chr3-123512522-A-G.
Other names: c.165+2T>C (NM_053027.4, NM_053028.4, NM_053026.4); c.-156+2T>C (NM_001321309.2).
Identifiers: ClinVar variation 1979395 (VCV001979395.4), dbSNP rs775648148, ClinGen allele CA067671.
Genomic context (GRCh38, chr3:123,793,675, plus strand): 5'-CAAGGAGCAGCGGCCCCTGCCCATCCTTCCCCACAGCCTCCCCATCCAGCCACACTTCTT[A>G]CCCGCCCTTCGAACTTGGCGGTGGCTCCTTCTTTGATGCAGAGGTTCCGAGGGGGCAAAA-3'